The following is an entry in ClinVar:

NM_022124.6(CDH23):c.1514+6A>G

Gene: CDH23 (cadherin related 23; plus strand). Cytogenetic location: 10q22.1.
Variant type: single nucleotide variant.
Coding change: c.1514+6A>G on transcript NM_022124.6 (MANE Select); 6 bases into the intron after coding-DNA position 1514, A replaced by G.
Molecular consequence: intron variant.
Genome position (GRCh38, 1-based): chr10:71,675,182, A>G. VCF-style: chr10-71675182-A-G. GRCh37 (hg19) VCF-style: chr10-73434939-A-G.
Other names: c.1514+6A>G (NM_001171930.2, NM_001171931.2).
Identifiers: ClinVar variation 228483 (VCV000228483.11), dbSNP rs367949981, ClinGen allele CA5543859.
Genomic context (GRCh38, chr10:71,675,182, plus strand): 5'-ATGATGCAGGCACCTTTGGGGAAGTCAGCTACTTCTTCAGTGATGACCCTGACAGGTGAG[A>G]CTCTGCCCACAGCCCCTCAGGCCCCTCCGCAGTGGTCCTTGGCCCTCCCCAGACTCATGA-3'

ClinVar aggregate classification (germline): Uncertain significance. Review status: criteria provided, multiple submitters, no conflicts (2 of 4 stars). 4 submissions from 4 submitters: Uncertain significance (3). 1 of the submissions does not count toward it. Last evaluated 2022-07-19.

Conditions:
Usher syndrome type 1 (USH1). Also called: RETINITIS PIGMENTOSA AND CONGENITAL DEAFNESS. Identifiers: Orphanet 231169, Orphanet 886, MedGen C1568247, MONDO:0010168, OMIM 276900.

Allele frequency attached by ClinVar (database versions not stated): gnomAD exomes 0.00002; gnomAD 0.00011; ESP Exome Variant Server 0.00016; ExAC 0.00003; TOPMed 0.00012.
gnomAD v4.1: 22 of 1,612,698 alleles (0.0014%); highest among the groups gnomAD compares: African/African-American, 0.027%; no homozygotes.

Submissions (4):

Labcorp Genetics (formerly Invitae), Labcorp
Classification: Uncertain significance. Last evaluated: 2022-07-19. Review status: criteria provided, single submitter. Criteria: Invitae Variant Classification Sherloc (09022015). Collection method: clinical testing. Allele origin: germline.
Comment: This sequence change falls in intron 15 of the CDH23 gene. It does not directly change the encoded amino acid sequence of the CDH23 protein. It affects a nucleotide within the consensus splice site. This variant is present in population databases (rs367949981, gnomAD 0.03%). This variant has not been reported in the literature in individuals affected with CDH23-related conditions. ClinVar contains an entry for this variant (Variation ID: 228483). Variants that disrupt the consensus splice site are a relatively common cause of aberrant splicing (PMID: 17576681, 9536098). Algorithms developed to predict the effect of sequence changes on RNA splicing suggest that this variant is not likely to affect RNA splicing. In summary, the available evidence is currently insufficient to determine the role of this variant in disease. Therefore, it has been classified as a Variant of Uncertain Significance.

Eurofins Ntd Llc (ga)
Classification: Uncertain significance. Last evaluated: 2017-01-19. Review status: criteria provided, single submitter. Criteria: EGL Classification Definitions 2015. Collection method: clinical testing. Allele origin: germline. Observed: 1 variant allele, 1 heterozygote.

Laboratory for Molecular Medicine, Mass General Brigham Personalized Medicine
Classification: Uncertain significance. Last evaluated: 2015-05-27. Review status: criteria provided, single submitter. Criteria: LMM Criteria. Collection method: clinical testing. Allele origin: germline. Observed: 1 variant allele.
Comment: The c.1514+6A>G variant in CDH23 has not been previously reported in individuals with hearing loss or Usher syndrome. This variant has been identified in 3/965 2 African chromosomes by the Exome Aggregation Consortium (ExAC; dbSNP rs367949981). Although this variant has been seen in the general population, its frequency is not high enough to rule out a pathogenic r ole. This variant is located in the 5' splice region. Computational tools do not suggest an impact to splicing. However, this information is not predictive enou gh to rule out pathogenicity. In summary, the clinical significance of the c.151 4+6A>G variant is uncertain.

Natera, Inc.
Classification: Uncertain significance for Usher syndrome type 1. Last evaluated: 2021-02-22. Review status: no assertion criteria provided. Collection method: clinical testing. Allele origin: germline. Not counted in ClinVar's aggregate classification.

Literature cited by the submitters: PubMed 17576681 (cited by Labcorp Genetics (formerly Invitae), Labcorp); PubMed 9536098 (cited by Labcorp Genetics (formerly Invitae), Labcorp).